The following is an entry in ClinVar:

ClinVar aggregate classification (germline): Uncertain significance (1 of 4 stars; one submission).

Submission:

Labcorp Genetics (formerly Invitae), Labcorp
Classification: Uncertain significance. Last evaluated: 2025-10-24. Review status: criteria provided, single submitter. Criteria: Invitae Variant Classification Sherloc (09022015). Collection method: clinical testing. Allele origin: germline.
Comment: This sequence change replaces glycine, which is neutral and non-polar, with arginine, which is basic and polar, at codon 186 of the DCHS1 protein (p.Gly186Arg). This variant is not present in population databases (gnomAD no frequency). This variant has not been reported in the literature in individuals affected with DCHS1-related conditions. Invitae Evidence Modeling of protein sequence and biophysical properties (such as structural, functional, and spatial information, amino acid conservation, physicochemical variation, residue mobility, and thermodynamic stability) indicates that this missense variant is not expected to disrupt DCHS1 protein function with a negative predictive value of 95%. In summary, the available evidence is currently insufficient to determine the role of this variant in disease. Therefore, it has been classified as a Variant of Uncertain Significance.

NM_003737.4(DCHS1):c.556G>C (p.Gly186Arg)

Gene: DCHS1 (dachsous cadherin-related 1; minus strand). Cytogenetic location: 11p15.4.
Variant type: single nucleotide variant.
Coding change: c.556G>C on transcript NM_003737.4 (MANE Select); coding-DNA position 556, G replaced by C.
Protein change: p.Gly186Arg; replaces glycine 186 with arginine.
Molecular consequence: missense variant.
Genome position (GRCh38, 1-based): chr11:6,641,058, C>G on the plus strand (G>C on the coding strand, the complement: DCHS1 is on the minus strand). VCF-style: chr11-6641058-C-G. GRCh37 (hg19) VCF-style: chr11-6662289-C-G.
Other names: short protein forms G186R.
Identifiers: ClinVar variation 4762979 (VCV004762979.1).